The following is an entry in ClinVar:

NM_004656.4(BAP1):c.636_644dup (p.Arg213_Gly215dup)

Gene: BAP1 (BRCA1 associated deubiquitinase 1; minus strand). Cytogenetic location: 3p21.1.
Variant type: Duplication.
Coding change: c.636_644dup on transcript NM_004656.4 (MANE Select); coding-DNA positions 636 to 644, 9 bases duplicated (GCGTATCGG; older notation c.636_644dupGCGTATCGG).
Protein change: p.Arg213_Gly215dup.
Molecular consequence: inframe insertion.
Genome position (GRCh38, 1-based): chr3:52,406,844-52,406,852, CCGATACGC duplicated on the plus strand (GCGTATCGG on the coding strand, the reverse complement: BAP1 is on the minus strand). VCF-style (leftmost placement, unchanged base first): chr3-52406843-G-GCCGATACGC. GRCh37 (hg19) VCF-style: chr3-52440859-G-GCCGATACGC.
Other names: c.636_644dupGCGTATCGG (NM_004656.2).
Identifiers: ClinVar variation 1507231 (VCV001507231.9), dbSNP rs2153227632, ClinGen allele CA2573137344.

ClinVar aggregate classification (germline): Uncertain significance. Review status: criteria provided, multiple submitters, no conflicts (2 of 4 stars). 2 submissions from 2 submitters: Uncertain significance (2). Last evaluated 2026-05-28.

Conditions:
BAP1-related tumor predisposition syndrome (TPDS1). Also called: Tumor susceptibility linked to germline BAP1 mutations; COMMON Syndrome; TUMOR PREDISPOSITION SYNDROME 1; BAP1 tumor predisposition syndrome. Identifiers: Orphanet 289539, MedGen C3280492, MONDO:0013692, OMIM 614327.
Hereditary cancer-predisposing syndrome. Also called: Tumor predisposition; Neoplastic Syndromes, Hereditary; Hereditary Cancer Syndrome; Hereditary neoplastic syndrome. Identifiers: Orphanet 140162, MedGen C0027672, MeSH D009386, MONDO:0015356.

Submissions (2):

Ambry Genetics
Classification: Uncertain significance for Hereditary cancer-predisposing syndrome. Last evaluated: 2026-05-28. Review status: criteria provided, single submitter. Criteria: Ambry Variant Classification Scheme 2023. Collection method: clinical testing. Allele origin: germline.
Comment: The c.636_644dupGCGTATCGG variant (also known as p.R213_G215dup), located in coding exon 8 of the BAP1 gene, results from an in-frame duplication of GCGTATCGG at nucleotide positions 636 to 644. This results in the duplication of 3 extra residues (RIG) between codons 213 and 215. This amino acid region is highly conserved in available vertebrate species. In addition, this variant is predicted to be deleterious by in silico analysis (Choi Y et al. PLoS ONE. 2012; 7(10):e46688). Based on the available evidence, the clinical significance of this variant remains unclear.

Labcorp Genetics (formerly Invitae), Labcorp
Classification: Uncertain significance for BAP1-related tumor predisposition syndrome. Last evaluated: 2021-07-24. Review status: criteria provided, single submitter. Criteria: Invitae Variant Classification Sherloc (09022015). Collection method: clinical testing. Allele origin: germline.
Comment: In summary, the available evidence is currently insufficient to determine the role of this variant in disease. Therefore, it has been classified as a Variant of Uncertain Significance. Experimental studies and prediction algorithms are not available or were not evaluated, and the functional significance of this variant is currently unknown. This variant has not been reported in the literature in individuals affected with BAP1-related conditions. This variant is not present in population databases (ExAC no frequency). This variant, c.636_644dup, results in the insertion of 3 amino acid(s) to the BAP1 protein (p.Arg213_Gly215dup), but otherwise preserves the integrity of the reading frame.